The following is an entry in ClinVar:

NM_003873.7(NRP1):c.300G>A (p.Arg100=)

Gene: NRP1 (neuropilin 1; minus strand). Cytogenetic location: 10p11.22.
Variant type: single nucleotide variant.
Coding change: c.300G>A on transcript NM_003873.7 (MANE Select); coding-DNA position 300, G replaced by A.
Protein change: p.Arg100=; no amino-acid change (arginine 100 retained).
Molecular consequence: synonymous variant.
Genome position (GRCh38, 1-based): chr10:33,270,805, C>T on the plus strand (G>A on the coding strand, the complement: NRP1 is on the minus strand). VCF-style: chr10-33270805-C-T. GRCh37 (hg19) VCF-style: chr10-33559733-C-T.
Other names: c.300G>A, p.Arg100= (NM_001024628.3, NM_001024629.3, NM_001244972.2 and 2 more transcripts).
Identifiers: ClinVar variation 3347782 (VCV003347782.1).
Genomic context (GRCh38, chr10:33,270,805, plus strand): 5'-AAAAAGAAATGGCCCTGAAGACACAACAGGAGGAGGGGCTATCTTTCCACAGAACTTTCC[C>T]CTAAAATGTCCATTTTCATTTTCTCCATCGAAGACTTCCACGTAGTCATACCTAATACAC-3'
Protein context (NP_003864.5, residues 90-110): FDGENENGHF[Arg100=]GKFCGKIAPP

ClinVar aggregate classification (germline): Likely benign (0 of 4 stars; one submission).

Conditions:
NRP1-related disorder. Also called: NRP1-related condition.

gnomAD v4.1: 14 of 1,613,478 alleles (0.00087%); highest among the groups gnomAD compares: Admixed American, 0.0017%; no homozygotes.

Submission:

PreventionGenetics, part of Exact Sciences
Classification: Likely benign for NRP1-related condition. Last evaluated: 2024-05-22. Review status: no assertion criteria provided. Collection method: clinical testing. Allele origin: germline.
Comment: This variant is classified as likely benign based on ACMG/AMP sequence variant interpretation guidelines (Richards et al. 2015 PMID: 25741868, with internal and published modifications).